The following is an entry in ClinVar:

NM_002430.3(MN1):c.1248C>G (p.Asn416Lys)

Gene: MN1 (MN1 proto-oncogene, transcriptional regulator; minus strand). Cytogenetic location: 22q12.1.
Variant type: single nucleotide variant.
Coding change: c.1248C>G on transcript NM_002430.3 (MANE Select); coding-DNA position 1248, C replaced by G.
Protein change: p.Asn416Lys; replaces asparagine 416 with lysine.
Molecular consequence: missense variant.
Genome position (GRCh38, 1-based): chr22:27,799,296, G>C on the plus strand (C>G on the coding strand, the complement: MN1 is on the minus strand). VCF-style: chr22-27799296-G-C. GRCh37 (hg19) VCF-style: chr22-28195284-G-C.
Other names: short protein forms N416K.
Identifiers: ClinVar variation 3902974 (VCV003902974.1).

ClinVar aggregate classification (germline): Uncertain significance (1 of 4 stars; one submission).

Submission:

GeneDx
Classification: Uncertain significance. Last evaluated: 2024-12-11. Review status: criteria provided, single submitter. Criteria: GeneDx Variant Classification Process June 2021. Collection method: clinical testing. Allele origin: germline. Affected: yes.
Comment: Not observed at significant frequency in large population cohorts (gnomAD); In silico analysis supports that this missense variant has a deleterious effect on protein structure/function; Has not been previously published as pathogenic or benign to our knowledge